The following is an entry in ClinVar:

NM_018082.6(POLR3B):c.1757C>T (p.Ser586Phe)

Gene: POLR3B (RNA polymerase III subunit B; plus strand). Cytogenetic location: 12q23.3.
Variant type: single nucleotide variant.
Coding change: c.1757C>T on transcript NM_018082.6 (MANE Select); coding-DNA position 1757, C replaced by T.
Protein change: p.Ser586Phe; replaces serine 586 with phenylalanine.
Molecular consequence: missense variant.
Genome position (GRCh38, 1-based): chr12:106,433,848, C>T. VCF-style: chr12-106433848-C-T. GRCh37 (hg19) VCF-style: chr12-106827626-C-T.
Other names: c.1583C>T, p.Ser528Phe (NM_001160708.2); short protein forms S528F, S586F.
Identifiers: ClinVar variation 3068453 (VCV003068453.2), dbSNP rs2542118888, ClinGen allele CA386390306.
Genomic context (GRCh38, chr12:106,433,848, plus strand): 5'-GATATATCAATGAATTTGTTTCCATCTCAACAAATCTTACAGATCGATGTGTCTATATTT[C>T]TTCTGATGGGGGAAGGCTATGCAGGTATATATGCAGGTTACTAAAAAGAGTTTTTAAGAA-3'
Protein context (NP_060552.4, residues 576-596): TNLTDRCVYI[Ser586Phe]SDGGRLCRPY

ClinVar aggregate classification (germline): Uncertain significance (1 of 4 stars; one submission).

Conditions:
Charcot-Marie-Tooth disease, demyelinating, IIA 1I. Also called: Charcot-Marie-Tooth disease, demyelinating, type 1I; CHARCOT-MARIE-TOOTH NEUROPATHY, TYPE 1I. Identifiers: MedGen C5676914, MONDO:0030677, OMIM 619742.

Submission:

Institute of Human Genetics, University of Leipzig Medical Center
Classification: Uncertain significance for Charcot-Marie-Tooth disease, demyelinating, IIA 1I. Last evaluated: 2024-02-28. Review status: criteria provided, single submitter. Criteria: ACMG Guidelines, 2015. Collection method: clinical testing. Allele origin: de novo. Inheritance: Autosomal dominant inheritance. Affected: yes.
Comment: Criteria applied: PS2_SUP, PM2_SUP ; The variants is a de novo change, both parents are not carrying the above mentioned variant (PS2_SUP). The phenotype is consistent with the gene but there is a high heterogeneity. The variant lies in mutational hotspot (personal communication from Joesph Symonds, Glasgow, UK, who is working on a cohort of patients with de novo variants in POLR3B). It is located in the RNA polymerase Rpb2 4 domain.